The following is an entry in ClinVar:

ClinVar aggregate classification (germline): Uncertain significance (1 of 4 stars; one submission).

Conditions:
Myofibrillar myopathy 6. Identifiers: Orphanet 199340, MedGen C2751831, MONDO:0013061, OMIM 612954.
Dilated cardiomyopathy 1HH (CMD1HH). Identifiers: Orphanet 154, MedGen C3151293, MONDO:0013479, OMIM 613881.

Allele frequency attached by ClinVar (database versions not stated): gnomAD exomes below 0.00001; ExAC 0.00001.
gnomAD v4.1: 7 of 1,614,214 alleles (0.00043%); highest among the groups gnomAD compares: South Asian, 0.0066%; no homozygotes.

Submission:

Labcorp Genetics (formerly Invitae), Labcorp
Classification: Uncertain significance for Dilated cardiomyopathy 1HH; Myofibrillar myopathy 6. Last evaluated: 2025-12-22. Review status: criteria provided, single submitter. Criteria: Invitae Variant Classification Sherloc (09022015). Collection method: clinical testing. Allele origin: germline.
Comment: This sequence change replaces proline, which is neutral and non-polar, with leucine, which is neutral and non-polar, at codon 131 of the BAG3 protein (p.Pro131Leu). This variant is present in population databases (rs778224688, gnomAD 0.003%). This variant has not been reported in the literature in individuals affected with BAG3-related conditions. ClinVar contains an entry for this variant (Variation ID: 846555). Invitae Evidence Modeling of protein sequence and biophysical properties (such as structural, functional, and spatial information, amino acid conservation, physicochemical variation, residue mobility, and thermodynamic stability) indicates that this missense variant is not expected to disrupt BAG3 protein function with a negative predictive value of 80%. In summary, the available evidence is currently insufficient to determine the role of this variant in disease. Therefore, it has been classified as a Variant of Uncertain Significance.

NM_004281.4(BAG3):c.392C>T (p.Pro131Leu)

Gene: BAG3 (BAG cochaperone 3; plus strand). Cytogenetic location: 10q26.11.
Variant type: single nucleotide variant.
Coding change: c.392C>T on transcript NM_004281.4 (MANE Select); coding-DNA position 392, C replaced by T.
Protein change: p.Pro131Leu; replaces proline 131 with leucine.
Molecular consequence: missense variant.
Genome position (GRCh38, 1-based): chr10:119,670,062, C>T. VCF-style: chr10-119670062-C-T. GRCh37 (hg19) VCF-style: chr10-121429574-C-T.
Other names: short protein forms P131L.
Identifiers: ClinVar variation 846555 (VCV000846555.9), dbSNP rs778224688, ClinGen allele CA5716312.